The following is an entry in ClinVar:

NM_021625.5(TRPV4):c.1520A>G (p.Asp507Gly)

Gene: TRPV4 (transient receptor potential cation channel subfamily V member 4; minus strand). Cytogenetic location: 12q24.11.
Variant type: single nucleotide variant.
Coding change: c.1520A>G on transcript NM_021625.5 (MANE Select); coding-DNA position 1520, A replaced by G.
Protein change: p.Asp507Gly; replaces aspartic acid 507 with glycine.
Molecular consequence: missense variant.
Genome position (GRCh38, 1-based): chr12:109,793,994, T>C on the plus strand (A>G on the coding strand, the complement: TRPV4 is on the minus strand). VCF-style: chr12-109793994-T-C. GRCh37 (hg19) VCF-style: chr12-110231799-T-C.
Other names: c.1379A>G, p.Asp460Gly (NM_001177428.2); c.1418A>G, p.Asp473Gly (NM_001177431.2); c.1199A>G, p.Asp400Gly (NM_001177433.2); c.1340A>G, p.Asp447Gly (NM_147204.3); short protein forms D400G, D473G, D507G, D447G, D460G.
Identifiers: ClinVar variation 2113735 (VCV002113735.4), dbSNP rs2548730220, ClinGen allele CA386652278.

ClinVar aggregate classification (germline): Uncertain significance (1 of 4 stars; one submission).

Conditions:
Charcot-Marie-Tooth disease axonal type 2C (HMSN2C). Also called: Charcot-Marie-Tooth Disease Type 2, TRPV4-Related (CMT2C); CHARCOT-MARIE-TOOTH DISEASE, AXONAL, AUTOSOMAL DOMINANT, TYPE 2C; Charcot-Marie-Tooth Neuropathy Type 2C. Identifiers: Orphanet 99937, MedGen C1853710, MONDO:0011633, OMIM 606071.

Submission:

Labcorp Genetics (formerly Invitae), Labcorp
Classification: Uncertain significance for Charcot-Marie-Tooth disease axonal type 2C. Last evaluated: 2022-03-18. Review status: criteria provided, single submitter. Criteria: Invitae Variant Classification Sherloc (09022015). Collection method: clinical testing. Allele origin: germline.
Comment: This variant has not been reported in the literature in individuals affected with TRPV4-related conditions. This variant is not present in population databases (gnomAD no frequency). This sequence change replaces aspartic acid, which is acidic and polar, with glycine, which is neutral and non-polar, at codon 507 of the TRPV4 protein (p.Asp507Gly). Advanced modeling of protein sequence and biophysical properties (such as structural, functional, and spatial information, amino acid conservation, physicochemical variation, residue mobility, and thermodynamic stability) performed at Invitae indicates that this missense variant is expected to disrupt TRPV4 protein function. In summary, the available evidence is currently insufficient to determine the role of this variant in disease. Therefore, it has been classified as a Variant of Uncertain Significance.